The following is an entry in ClinVar:

ClinVar aggregate classification (germline): Likely benign. Review status: criteria provided, multiple submitters, no conflicts (2 of 4 stars). 4 submissions from 4 submitters: Likely benign (4). Last evaluated 2025-10-28.

Conditions:
Hypertrophic cardiomyopathy 2. Also called: TNNT2-Related Familial Hypertrophic Cardiomyopathy. Identifiers: MedGen C1861864, MONDO:0007266, OMIM 115195.
Dilated cardiomyopathy 1D. Identifiers: Orphanet 154, Orphanet 54260, MedGen C1832243, MONDO:0011095, OMIM 601494.
Cardiomyopathy, familial restrictive, 3. Identifiers: Orphanet 75249, MedGen C2676271, MONDO:0012900, OMIM 612422.
Cardiomyopathy (CMYO). Also called: Cardiomyopathies. Identifiers: Orphanet 167848, MedGen C0878544, MONDO:0004994, HP:0001638. Inheritance: Various modes of inheritance.

Allele frequency attached by ClinVar (database versions not stated): TOPMed below 0.00001; gnomAD 0.00001; ExAC 0.00003; gnomAD exomes 0.00004.
gnomAD v4.1: 57 of 1,614,004 alleles (0.0035%); highest among the groups gnomAD compares: East Asian, 0.0045%; no homozygotes.

Submissions (4):

Labcorp Genetics (formerly Invitae), Labcorp
Classification: Likely benign for Cardiomyopathy, familial restrictive, 3; Hypertrophic cardiomyopathy 2; Dilated cardiomyopathy 1D. Last evaluated: 2025-10-28. Review status: criteria provided, single submitter. Criteria: Invitae Variant Classification Sherloc (09022015). Collection method: clinical testing. Allele origin: germline.

All of Us Research Program, National Institutes of Health
Classification: Likely benign for Cardiomyopathy. Last evaluated: 2024-05-30. Review status: criteria provided, single submitter. Criteria: ACMG Guidelines, 2015. Collection method: clinical testing. Allele origin: germline. Inheritance: Autosomal dominant inheritance. Observed: 2 variant alleles, 2 heterozygotes.
Comment: This study involves interpretation of variants in research participants for the purpose of population health screening. Participant phenotype was not available at the time of variant classification. Additional details can be found in publication PMID: 35346344, PMCID: PMC8962531

Color Diagnostics, LLC DBA Color Health
Classification: Likely benign for Cardiomyopathy. Last evaluated: 2022-10-19. Review status: criteria provided, single submitter. Criteria: ACMG Guidelines, 2015. Collection method: clinical testing. Allele origin: germline.

Blueprint Genetics
Classification: Likely benign. Last evaluated: 2020-11-17. Review status: criteria provided, single submitter. Criteria: ACMG Guidelines, 2015. Collection method: clinical testing. Allele origin: germline.

NM_001276345.2(TNNT2):c.164-13G>A

Gene: TNNT2 (troponin T2, cardiac type; minus strand). Cytogenetic location: 1q32.1.
Variant type: single nucleotide variant.
Coding change: c.164-13G>A on transcript NM_001276345.2 (MANE Select); 13 bases into the intron before coding-DNA position 164, G replaced by A.
Molecular consequence: intron variant.
Genome position (GRCh38, 1-based): chr1:201,367,819, C>T on the plus strand (G>A on the coding strand, the complement: TNNT2 is on the minus strand). VCF-style: chr1-201367819-C-T. GRCh37 (hg19) VCF-style: chr1-201336947-C-T.
Other names: c.119-13G>A (NM_001001432.3); c.134-13G>A (NM_001001431.3, NM_001001430.3, NM_001276347.2); c.164-16G>A (NM_001276346.2); c.164-13G>A (NM_000364.4).
Identifiers: ClinVar variation 1629683 (VCV001629683.12), dbSNP rs369469475, ClinGen allele CA088891.